The following is an entry in ClinVar:

ClinVar aggregate classification (germline): Likely pathogenic (1 of 4 stars; one submission).

Submission:

GeneDx
Classification: Likely pathogenic. Last evaluated: 2023-07-31. Review status: criteria provided, single submitter. Criteria: GeneDx Variant Classification Process June 2021. Collection method: clinical testing. Allele origin: germline. Affected: yes.
Comment: Not observed at significant frequency in large population cohorts (gnomAD); In silico analysis supports that this missense variant has a deleterious effect on protein structure/function; This variant is associated with the following publications: (PMID: 34681005, 10835628, 11114740)

NM_182925.5(FLT4):c.3295T>C (p.Ser1099Pro)

Gene: FLT4 (fms related receptor tyrosine kinase 4; minus strand). Cytogenetic location: 5q35.3.
Variant type: single nucleotide variant.
Coding change: c.3295T>C on transcript NM_182925.5 (MANE Select); coding-DNA position 3295, T replaced by C.
Protein change: p.Ser1099Pro; replaces serine 1099 with proline.
Molecular consequence: missense variant.
Genome position (GRCh38, 1-based): chr5:180,614,104, A>G on the plus strand (T>C on the coding strand, the complement: FLT4 is on the minus strand). VCF-style: chr5-180614104-A-G. GRCh37 (hg19) VCF-style: chr5-180041104-A-G.
Other names: c.3295T>C, p.Ser1099Pro (NM_001354989.2, NM_002020.5); short protein forms S1099P.
Identifiers: ClinVar variation 3361606 (VCV003361606.1).
Genomic context (GRCh38, chr5:180,614,104, plus strand): 5'-ACCGGCACCCCATCCTGCACTCACCCAGAGAGAAGATCTCCCAGAGAAGCACCCCAAAGG[A>G]CCACACGTCACTCTGCGTGGTGTACACCTTGTCGAAGATGCTTTCAGGGGCCATCCACTT-3'
Protein context (NP_891555.2, residues 1089-1109): KVYTTQSDVW[Ser1099Pro]FGVLLWEIFS